The following is an entry in ClinVar:

NM_001032283.3(TMPO):c.565+1807C>G

Gene: TMPO (thymopoietin; plus strand). Cytogenetic location: 12q23.1.
Variant type: single nucleotide variant.
Coding change: c.565+1807C>G on transcript NM_001032283.3 (MANE Select); 1807 bases into the intron after coding-DNA position 565, C replaced by G.
Molecular consequence: intron variant. On other transcripts: missense variant (1).
Genome position (GRCh38, 1-based): chr12:98,533,645, C>G. VCF-style: chr12-98533645-C-G. GRCh37 (hg19) VCF-style: chr12-98927423-C-G.
Other names: c.1388C>G, p.Thr463Ser (NM_003276.2); c.565+1807C>G (NM_001307975.2, NM_001032284.3); short protein forms T463S.
Identifiers: ClinVar variation 2819843 (VCV002819843.3), dbSNP rs778992198, ClinGen allele CA6732413.

ClinVar aggregate classification (germline): Uncertain significance (1 of 4 stars; one submission).

Conditions:
Loeys-Dietz syndrome 2 (LDS2). Also called: Marfan syndrome, type 2 (formerly); TGFBR2-Related Loeys-Dietz Syndrome; Marfan Syndrome type 2; Marfan like connective tissue disorder; MFS 2; MARFAN SYNDROME, TYPE II. Identifiers: Orphanet 284973, Orphanet 558, MedGen C2674574, MONDO:0012427, OMIM 610168.

Allele frequency attached by ClinVar (database versions not stated): gnomAD exomes below 0.00001; ExAC 0.00001.
gnomAD v4.1: 2 of 1,614,194 alleles (0.00012%); highest among the groups gnomAD compares: Non-Finnish European, 0.000085%; no homozygotes.

Submission:

Labcorp Genetics (formerly Invitae), Labcorp
Classification: Uncertain significance for Loeys-Dietz syndrome 2. Last evaluated: 2022-12-14. Review status: criteria provided, single submitter. Criteria: Invitae Variant Classification Sherloc (09022015). Collection method: clinical testing. Allele origin: germline.
Comment: In summary, the available evidence is currently insufficient to determine the role of this variant in disease. Therefore, it has been classified as a Variant of Uncertain Significance. Advanced modeling of protein sequence and biophysical properties (such as structural, functional, and spatial information, amino acid conservation, physicochemical variation, residue mobility, and thermodynamic stability) performed at Invitae indicates that this missense variant is not expected to disrupt TMPO protein function. This variant has not been reported in the literature in individuals affected with TMPO-related conditions. This variant is not present in population databases (gnomAD no frequency). This sequence change replaces threonine, which is neutral and polar, with serine, which is neutral and polar, at codon 463 of the TMPO protein (p.Thr463Ser).